The following is an entry in ClinVar:

NM_020928.2(ZSWIM6):c.636G>A (p.Ala212=)

Gene: ZSWIM6 (zinc finger SWIM-type containing 6; plus strand). Cytogenetic location: 5q12.1.
Variant type: single nucleotide variant.
Coding change: c.636G>A on transcript NM_020928.2 (MANE Select); coding-DNA position 636, G replaced by A.
Protein change: p.Ala212=; no amino-acid change (alanine 212 retained).
Molecular consequence: synonymous variant.
Genome position (GRCh38, 1-based): chr5:61,332,908, G>A. VCF-style: chr5-61332908-G-A. GRCh37 (hg19) VCF-style: chr5-60628735-G-A.
Identifiers: ClinVar variation 1567705 (VCV001567705.32), dbSNP rs565326403, ClinGen allele CA3278309.

ClinVar aggregate classification (germline): Benign/Likely benign. Review status: criteria provided, multiple submitters, no conflicts (2 of 4 stars). 2 submissions from 2 submitters: Benign (1); Likely benign (1). Last evaluated 2026-01-05.

Allele frequency attached by ClinVar (database versions not stated): TOPMed 0.00002; gnomAD 0.00003; gnomAD exomes 0.00011 and 0.00048; 1000 Genomes Project 0.00060; 1000 Genomes Project 30x 0.00062; ExAC 0.00108.
gnomAD v4.1: 136 of 1,358,794 alleles (0.01%); highest among the groups gnomAD compares: South Asian, 0.2%; no homozygotes.

Submissions (2):

Labcorp Genetics (formerly Invitae), Labcorp
Classification: Benign. Last evaluated: 2026-01-05. Review status: criteria provided, single submitter. Criteria: Invitae Variant Classification Sherloc (09022015). Collection method: clinical testing. Allele origin: germline.

CeGaT Center for Human Genetics Tuebingen
Classification: Likely benign. Last evaluated: 2023-06-01. Review status: criteria provided, single submitter. Criteria: CeGaT Center For Human Genetics Tuebingen Variant Classification Criteria Version 2. Collection method: clinical testing. Allele origin: germline. Affected: yes. Observed: 1 variant allele.
Comment: ZSWIM6: BP4, BP7, BS1